The following is an entry in ClinVar:

NM_003718.5(CDK13):c.2985C>T (p.Cys995=)

Gene: CDK13 (cyclin dependent kinase 13; plus strand). Cytogenetic location: 7p14.1.
Variant type: single nucleotide variant.
Coding change: c.2985C>T on transcript NM_003718.5 (MANE Select); coding-DNA position 2985, C replaced by T.
Protein change: p.Cys995=; no amino-acid change (cysteine 995 retained).
Molecular consequence: synonymous variant.
Genome position (GRCh38, 1-based): chr7:40,078,807, C>T. VCF-style: chr7-40078807-C-T. GRCh37 (hg19) VCF-style: chr7-40118406-C-T.
Other names: c.2985C>T, p.Cys995= (NM_031267.4).
Identifiers: ClinVar variation 790588 (VCV000790588.35), dbSNP rs56028037, ClinGen allele CA4228854.
Genomic context (GRCh38, chr7:40,078,807, plus strand): 5'-TGATTACATGCTTGCCTTGGATCCTAGTAAGCGCTGCACTGCTGAACAGGCTCTTCAGTG[C>T]GAGTTCCTCCGAGATGTGGAACCCTCAAAAATGCCTCCACCAGAGTAAGTGACTTTTTAT-3'
Protein context (NP_003709.3, residues 985-1005): KRCTAEQALQ[Cys995=]EFLRDVEPSK

ClinVar aggregate classification (germline): Benign/Likely benign. Review status: criteria provided, multiple submitters, no conflicts (2 of 4 stars). 4 submissions from 4 submitters: Benign (1); Likely benign (2). 1 of the submissions does not count toward it. Last evaluated 2026-02-03.

Conditions:
CDK13-related disorder. Also called: CDK13-related condition. Identifiers: MedGen C5816700.

Allele frequency attached by ClinVar (database versions not stated): gnomAD exomes 0.00054 and 0.00087; ExAC 0.00088; ESP Exome Variant Server 0.00154; gnomAD 0.00206 and 0.00218; 1000 Genomes Project 0.00260; TOPMed 0.00263; 1000 Genomes Project 30x 0.00328.
gnomAD v4.1: 1,093 of 1,518,082 alleles (0.072%); highest among the groups gnomAD compares: African/African-American, 0.51%; no homozygotes.

Submissions (6):

Labcorp Genetics (formerly Invitae), Labcorp
Classification: Benign. Last evaluated: 2026-02-03. Review status: criteria provided, single submitter. Criteria: Invitae Variant Classification Sherloc (09022015). Collection method: clinical testing. Allele origin: germline.

Blueprint Genetics
Classification: Likely benign. Last evaluated: 2024-11-01. Review status: criteria provided, single submitter. Criteria: ACMG Guidelines, 2015. Collection method: clinical testing. Allele origin: germline.

CeGaT Center for Human Genetics Tuebingen
Classification: Likely benign. Last evaluated: 2024-01-01. Review status: criteria provided, single submitter. Criteria: CeGaT Center For Human Genetics Tuebingen Variant Classification Criteria Version 2. Collection method: clinical testing. Allele origin: germline. Affected: yes. Observed: 3 variant alleles.
Comment: CDK13: BP4, BP7, BS1

PreventionGenetics, part of Exact Sciences
Classification: Likely benign for CDK13-related condition. Last evaluated: 2019-05-04. Review status: no assertion criteria provided. Collection method: clinical testing. Allele origin: germline. Not counted in ClinVar's aggregate classification.
Comment: This variant is classified as likely benign based on ACMG/AMP sequence variant interpretation guidelines (Richards et al. 2015 PMID: 25741868, with internal and published modifications).

Dr. Peter K. Rogan Lab, Western University
No classification provided (evidence only). Condition: Cervical cancer. Review status: no classification provided. Collection method: in vitro. Allele origin: not applicable. Functional consequence: retained intron. Not counted in ClinVar's aggregate classification.

Dr. Peter K. Rogan Lab, Western University
No classification provided (evidence only). Condition: Ovarian serous cystadenocarcinoma. Review status: no classification provided. Collection method: in vitro. Allele origin: not applicable. Functional consequence: retained intron. Not counted in ClinVar's aggregate classification.